The following is an entry in ClinVar:

ClinVar aggregate classification (germline): Uncertain significance. Review status: criteria provided, multiple submitters, no conflicts (2 of 4 stars). 4 submissions from 4 submitters: Uncertain significance (4). Last evaluated 2025-01-19.

Conditions:
Pheochromocytoma. Also called: MAX-Related Hereditary Paraganglioma-Pheochromocytoma Syndrome. Identifiers: Orphanet 29072, MedGen C0031511, MONDO:0008233, OMIM 171300, HP:0002666.
Carney-Stratakis syndrome. Also called: PARAGANGLIOMA AND GASTROINTESTINAL STROMAL TUMOR. Identifiers: Orphanet 97286, MedGen C1847319, MONDO:0011740, OMIM 606864.
Paragangliomas with sensorineural hearing loss. Identifiers: MedGen C1868633.
Cowden syndrome 3 (CWS3). Identifiers: Orphanet 201, MedGen CN166604, MONDO:0014045.
Hereditary cancer-predisposing syndrome. Also called: Neoplastic Syndromes, Hereditary; Hereditary Cancer Syndrome; Hereditary neoplastic syndrome; Tumor predisposition. Identifiers: Orphanet 140162, MedGen C0027672, MeSH D009386, MONDO:0015356.
Hereditary pheochromocytoma and paraganglioma. Also called: Hereditary Paraganglioma-Pheochromocytoma Syndromes; Hereditary pheochromocytoma-paraganglioma; Hereditary paragangliomas and pheochromocytomas. Identifiers: Orphanet 29072, MedGen C4274332, MONDO:0017366.

Submissions (4):

Labcorp Genetics (formerly Invitae), Labcorp
Classification: Uncertain significance for Carney-Stratakis syndrome; Paragangliomas with sensorineural hearing loss; Pheochromocytoma; Cowden syndrome 3. Last evaluated: 2025-01-19. Review status: criteria provided, single submitter. Criteria: Invitae Variant Classification Sherloc (09022015). Collection method: clinical testing. Allele origin: germline.
Comment: This sequence change replaces isoleucine, which is neutral and non-polar, with valine, which is neutral and non-polar, at codon 149 of the SDHD protein (p.Ile149Val). This variant is not present in population databases (gnomAD no frequency). This variant has not been reported in the literature in individuals affected with SDHD-related conditions. ClinVar contains an entry for this variant (Variation ID: 879121). Invitae Evidence Modeling of protein sequence and biophysical properties (such as structural, functional, and spatial information, amino acid conservation, physicochemical variation, residue mobility, and thermodynamic stability) indicates that this missense variant is not expected to disrupt SDHD protein function with a negative predictive value of 80%. In summary, the available evidence is currently insufficient to determine the role of this variant in disease. Therefore, it has been classified as a Variant of Uncertain Significance.

Blueprint Genetics
Classification: Uncertain significance. Last evaluated: 2023-03-01. Review status: criteria provided, single submitter. Criteria: ACMG Guidelines, 2015. Collection method: clinical testing. Allele origin: germline.

Ambry Genetics
Classification: Uncertain significance for Hereditary cancer-predisposing syndrome. Last evaluated: 2022-11-27. Review status: criteria provided, single submitter. Criteria: Ambry Variant Classification Scheme 2023. Collection method: clinical testing. Allele origin: germline.
Comment: The p.I149V variant (also known as c.445A>G), located in coding exon 4 of the SDHD gene, results from an A to G substitution at nucleotide position 445. The isoleucine at codon 149 is replaced by valine, an amino acid with highly similar properties. This amino acid position is conserved. In addition, this alteration is predicted to be deleterious by in silico analysis. Since supporting evidence is limited at this time, the clinical significance of this alteration remains unclear.

Illumina Laboratory Services, Illumina
Classification: Uncertain significance for Hereditary Paraganglioma-Pheochromocytoma Syndromes. Last evaluated: 2018-01-13. Review status: criteria provided, single submitter. Criteria: ICSL Variant Classification Criteria 13 December 2019. Collection method: clinical testing. Allele origin: germline.

NM_003002.4(SDHD):c.445A>G (p.Ile149Val)

Gene: SDHD (succinate dehydrogenase complex subunit D; plus strand). Cytogenetic location: 11q23.1.
Variant type: single nucleotide variant.
Coding change: c.445A>G on transcript NM_003002.4 (MANE Select); coding-DNA position 445, A replaced by G.
Protein change: p.Ile149Val; replaces isoleucine 149 with valine.
Molecular consequence: missense variant. On other transcripts: 3 prime UTR variant (2), non-coding transcript variant (1).
Genome position (GRCh38, 1-based): chr11:112,094,935, A>G. VCF-style: chr11-112094935-A-G. GRCh37 (hg19) VCF-style: chr11-111965659-A-G.
Other names: c.*42A>G (NM_001276503.2); c.328A>G, p.Ile110Val (NM_001276504.2); c.*143A>G (NM_001276506.2); c.445A>G (NM_003002.2); short protein forms I110V, I149V.
Identifiers: ClinVar variation 879121 (VCV000879121.18), dbSNP rs1865813813, ClinGen allele CA382619468.